The following is an entry in ClinVar:

ClinVar aggregate classification (germline): Uncertain significance. Review status: criteria provided, multiple submitters, no conflicts (2 of 4 stars). 6 submissions from 6 submitters: Uncertain significance (5). 1 of the submissions does not count toward it. Last evaluated 2025-08-06.

Conditions:
Hereditary cancer-predisposing syndrome. Also called: Hereditary neoplastic syndrome; Tumor predisposition; Hereditary Cancer Syndrome; Neoplastic Syndromes, Hereditary. Identifiers: Orphanet 140162, MedGen C0027672, MeSH D009386, MONDO:0015356.
Fanconi anemia (FA). Also called: Fanconi's anemia. Identifiers: Orphanet 84, MedGen C0015625, MeSH D005199, MONDO:0019391.
Fanconi anemia complementation group C (FANCC). Also called: FANCC-Related Fanconi Anemia; Fanconi anemia, group C; FANCONI PANCYTOPENIA, TYPE 3; FACC. Identifiers: Orphanet 84, MedGen C3468041, MONDO:0009213, OMIM 227645.

Allele frequency attached by ClinVar (database versions not stated): gnomAD exomes below 0.00001 and 0.00001; ExAC 0.00002; gnomAD 0.00003 and 0.00004; TOPMed 0.00004.
gnomAD v4.1: 7 of 1,613,560 alleles (0.00043%); highest among the groups gnomAD compares: African/African-American, 0.0094%; no homozygotes.

Submissions (6):

Labcorp Genetics (formerly Invitae), Labcorp
Classification: Uncertain significance for Fanconi anemia. Last evaluated: 2025-08-06. Review status: criteria provided, single submitter. Criteria: Invitae Variant Classification Sherloc (09022015). Collection method: clinical testing. Allele origin: germline.
Comment: This sequence change replaces glycine, which is neutral and non-polar, with arginine, which is basic and polar, at codon 68 of the FANCC protein (p.Gly68Arg). This variant is present in population databases (rs777111154, gnomAD 0.02%). This variant has not been reported in the literature in individuals affected with FANCC-related conditions. ClinVar contains an entry for this variant (Variation ID: 219736). Invitae Evidence Modeling of protein sequence and biophysical properties (such as structural, functional, and spatial information, amino acid conservation, physicochemical variation, residue mobility, and thermodynamic stability) indicates that this missense variant is not expected to disrupt FANCC protein function with a negative predictive value of 80%. In summary, the available evidence is currently insufficient to determine the role of this variant in disease. Therefore, it has been classified as a Variant of Uncertain Significance.

Ambry Genetics
Classification: Uncertain significance for Hereditary cancer-predisposing syndrome. Last evaluated: 2024-12-31. Review status: criteria provided, single submitter. Criteria: Ambry Variant Classification Scheme 2023. Collection method: clinical testing. Allele origin: germline.
Comment: The p.G68R variant (also known as c.202G>C), located in coding exon 2 of the FANCC gene, results from a G to C substitution at nucleotide position 202. The glycine at codon 68 is replaced by arginine, an amino acid with dissimilar properties. This amino acid position is not well conserved in available vertebrate species. In addition, the in silico prediction for this alteration is inconclusive. Based on the available evidence, the clinical significance of this variant remains unclear.

GeneDx
Classification: Uncertain significance. Last evaluated: 2024-10-23. Review status: criteria provided, single submitter. Criteria: GeneDx Variant Classification Process June 2021. Collection method: clinical testing. Allele origin: germline. Affected: yes.
Comment: Not observed at significant frequency in large population cohorts (gnomAD); In silico analysis supports that this missense variant has a deleterious effect on protein structure/function; Has not been previously published as pathogenic or benign to our knowledge; This variant is associated with the following publications: (PMID: Gordon2000[Book])

Fulgent Genetics
Classification: Uncertain significance for Fanconi anemia complementation group C. Last evaluated: 2024-01-05. Review status: criteria provided, single submitter. Criteria: ACMG Guidelines, 2015. Collection method: clinical testing. Allele origin: germline.

St. Jude Molecular Pathology, St. Jude Children's Research Hospital
Classification: Uncertain significance for Fanconi anemia complementation group C. Last evaluated: 2022-06-20. Review status: criteria provided, single submitter. Criteria: St. Jude Assertion Criteria 2020. Collection method: clinical testing. Allele origin: germline.
Comment: The FANCC c.202G>C (p.Gly68Arg) missense change has a maximum subpopulation frequency of 0.016% in gnomAD v2.1.1. The in silico tool REVEL predicts a benign effect on protein function, but to our knowledge this prediction has not been confirmed by functional studies. To our knowledge, this variant has not been reported in individuals with Fanconi anemia. In summary, the evidence currently available is insufficient to determine the role of this variant in Fanconi anemia. It has therefore been classified as of uncertain significance.

Natera, Inc.
Classification: Uncertain significance for Fanconi anemia. Last evaluated: 2018-12-14. Review status: no assertion criteria provided. Collection method: clinical testing. Allele origin: germline. Not counted in ClinVar's aggregate classification.

NM_000136.3(FANCC):c.202G>C (p.Gly68Arg)

Gene: FANCC (FA complementation group C; minus strand). Cytogenetic location: 9q22.32.
Variant type: single nucleotide variant.
Coding change: c.202G>C on transcript NM_000136.3 (MANE Select); coding-DNA position 202, G replaced by C.
Protein change: p.Gly68Arg; replaces glycine 68 with arginine.
Molecular consequence: missense variant.
Genome position (GRCh38, 1-based): chr9:95,247,480, C>G on the plus strand (G>C on the coding strand, the complement: FANCC is on the minus strand). VCF-style: chr9-95247480-C-G. GRCh37 (hg19) VCF-style: chr9-98009762-C-G.
Other names: c.202G>C, p.Gly68Arg (NM_001243744.2, NM_001243743.2); short protein forms G68R.
Identifiers: ClinVar variation 219736 (VCV000219736.20), dbSNP rs777111154, ClinGen allele CA350586.